The following is an entry in ClinVar:

ClinVar aggregate classification (germline): Pathogenic (1 of 4 stars; one submission).

Conditions:
Primary ciliary dyskinesia 3. Identifiers: Orphanet 244, MedGen C1837618, MONDO:0012085, OMIM 608644.

Submission:

Myriad Genetics, Inc.
Classification: Pathogenic for Primary ciliary dyskinesia 3. Last evaluated: 2023-10-04. Review status: criteria provided, single submitter. Criteria: Myriad Autosomal Dominant, Autosomal Recessive and X-Linked Classification Criteria (2023). Collection method: clinical testing. Allele origin: unknown.
Comment: NM_001369.2(DNAH5):c.12663_12664ins13(Q4222Yfs*13) is expected to be pathogenic in the context of primary ciliary dyskinesia, DNAH5-related. This variant is predicted to lead to an abnormal or absent protein product due to the creation of a premature termination codon in DNAH5, a gene where loss-of-function variants are known to be pathogenic. Please note: this variant was assessed in the context of healthy population screening.

NM_001369.3(DNAH5):c.12663_12664insTATAAGAGACAGT (p.Gln4222fs)

Gene: DNAH5 (dynein axonemal heavy chain 5; minus strand). Cytogenetic location: 5p15.2.
Variant type: Insertion.
Coding change: c.12663_12664insTATAAGAGACAGT on transcript NM_001369.3 (MANE Select); coding-DNA positions 12663 to 12664, TATAAGAGACAGT inserted.
Protein change: p.Gln4222fs; shifts the reading frame from glutamine 4222.
Molecular consequence: frameshift variant.
Genome position: GRCh38 VCF-style: chr5-13717356-G-GACTGTCTCTTATA. GRCh37 (hg19) VCF-style: chr5-13717465-G-GACTGTCTCTTATA.
Other names: short protein forms Q4222fs.
Identifiers: ClinVar variation 5012356 (VCV005012356.1).